The following is an entry in ClinVar:

NM_014754.3(PTDSS1):c.1339G>A (p.Ala447Thr)

Gene: PTDSS1 (phosphatidylserine synthase 1; plus strand). Cytogenetic location: 8q22.1.
Variant type: single nucleotide variant.
Coding change: c.1339G>A on transcript NM_014754.3 (MANE Select); coding-DNA position 1339, G replaced by A.
Protein change: p.Ala447Thr; replaces alanine 447 with threonine.
Molecular consequence: missense variant.
Genome position (GRCh38, 1-based): chr8:96,333,483, G>A. VCF-style: chr8-96333483-G-A. GRCh37 (hg19) VCF-style: chr8-97345711-G-A.
Other names: c.901G>A, p.Ala301Thr (NM_001290225.2); short protein forms A447T, A301T.
Identifiers: ClinVar variation 2193929 (VCV002193929.4), dbSNP rs773916228, ClinGen allele CA4816837.

ClinVar aggregate classification (germline): Uncertain significance (1 of 4 stars; one submission).

Allele frequency attached by ClinVar (database versions not stated): ExAC 0.00001; TOPMed 0.00002; gnomAD 0.00003.
gnomAD v4.1: 17 of 1,613,880 alleles (0.0011%); highest among the groups gnomAD compares: Non-Finnish European, 0.0014%; no homozygotes.

Submission:

Labcorp Genetics (formerly Invitae), Labcorp
Classification: Uncertain significance. Last evaluated: 2022-05-09. Review status: criteria provided, single submitter. Criteria: Invitae Variant Classification Sherloc (09022015). Collection method: clinical testing. Allele origin: germline.
Comment: In summary, the available evidence is currently insufficient to determine the role of this variant in disease. Therefore, it has been classified as a Variant of Uncertain Significance. Algorithms developed to predict the effect of missense changes on protein structure and function (SIFT, PolyPhen-2, Align-GVGD) all suggest that this variant is likely to be tolerated. This variant has not been reported in the literature in individuals affected with PTDSS1-related conditions. This variant is present in population databases (rs773916228, gnomAD 0.004%). This sequence change replaces alanine, which is neutral and non-polar, with threonine, which is neutral and polar, at codon 447 of the PTDSS1 protein (p.Ala447Thr).